The following is an entry in ClinVar:

NM_001164665.2(KIAA1549):c.4804C>T (p.Arg1602Cys)

Gene: KIAA1549 (KIAA1549; minus strand). Cytogenetic location: 7q34.
Variant type: single nucleotide variant.
Coding change: c.4804C>T on transcript NM_001164665.2 (MANE Select); coding-DNA position 4804, C replaced by T.
Protein change: p.Arg1602Cys; replaces arginine 1602 with cysteine.
Molecular consequence: missense variant.
Genome position (GRCh38, 1-based): chr7:138,868,100, G>A on the plus strand (C>T on the coding strand, the complement: KIAA1549 is on the minus strand). VCF-style: chr7-138868100-G-A. GRCh37 (hg19) VCF-style: chr7-138552846-G-A.
Other names: c.4804C>T, p.Arg1602Cys (NM_020910.3); short protein forms R1602C.
Identifiers: ClinVar variation 2878445 (VCV002878445.3), dbSNP rs758674277, ClinGen allele CA4505745.

ClinVar aggregate classification (germline): Uncertain significance (1 of 4 stars; one submission).

Allele frequency attached by ClinVar (database versions not stated): ExAC 0.00001; TOPMed 0.00001; gnomAD 0.00003.
gnomAD v4.1: 13 of 1,613,542 alleles (0.00081%); highest among the groups gnomAD compares: African/African-American, 0.0013%; no homozygotes.

Submission:

Labcorp Genetics (formerly Invitae), Labcorp
Classification: Uncertain significance. Last evaluated: 2023-09-09. Review status: criteria provided, single submitter. Criteria: Invitae Variant Classification Sherloc (09022015). Collection method: clinical testing. Allele origin: germline.
Comment: In summary, the available evidence is currently insufficient to determine the role of this variant in disease. Therefore, it has been classified as a Variant of Uncertain Significance. An algorithm developed to predict the effect of missense changes on protein structure and function (PolyPhen-2) suggests that this variant is likely to be disruptive. This variant has not been reported in the literature in individuals affected with KIAA1549-related conditions. This variant is present in population databases (rs758674277, gnomAD 0.004%). This sequence change replaces arginine, which is basic and polar, with cysteine, which is neutral and slightly polar, at codon 1602 of the KIAA1549 protein (p.Arg1602Cys).